The following is an entry in ClinVar:

NM_001365308.1(BMPER):c.995G>A (p.Arg332His)

Gene: BMPER (BMP binding endothelial regulator; plus strand). Cytogenetic location: 7p14.3.
Variant type: single nucleotide variant.
Coding change: c.995G>A on transcript NM_001365308.1 (MANE Select); coding-DNA position 995, G replaced by A.
Protein change: p.Arg332His; replaces arginine 332 with histidine.
Molecular consequence: missense variant.
Genome position (GRCh38, 1-based): chr7:34,058,126, G>A. VCF-style: chr7-34058126-G-A. GRCh37 (hg19) VCF-style: chr7-34097738-G-A.
Other names: c.995G>A, p.Arg332His (NM_001410872.1, NM_133468.5); c.995G>A (NM_133468.3); short protein forms R332H.
Identifiers: ClinVar variation 1903525 (VCV001903525.4), dbSNP rs763448943, ClinGen allele CA4215244.

ClinVar aggregate classification (germline): Uncertain significance. Review status: criteria provided, multiple submitters, no conflicts (2 of 4 stars). 2 submissions from 2 submitters: Uncertain significance (2). Last evaluated 2024-04-09.

Conditions:
Inborn genetic diseases. Identifiers: MedGen C0950123, MeSH D030342.

Allele frequency attached by ClinVar (database versions not stated): TOPMed 0.00002; ExAC 0.00003; gnomAD 0.00004.
gnomAD v4.1: 36 of 1,613,910 alleles (0.0022%); highest among the groups gnomAD compares: African/African-American, 0.0053%; no homozygotes.

Submissions (2):

Ambry Genetics
Classification: Uncertain significance for Inborn genetic diseases. Last evaluated: 2024-04-09. Review status: criteria provided, single submitter. Criteria: Ambry Variant Classification Scheme 2023. Collection method: clinical testing. Allele origin: germline.

Labcorp Genetics (formerly Invitae), Labcorp
Classification: Uncertain significance. Last evaluated: 2022-06-02. Review status: criteria provided, single submitter. Criteria: Invitae Variant Classification Sherloc (09022015). Collection method: clinical testing. Allele origin: germline.
Comment: In summary, the available evidence is currently insufficient to determine the role of this variant in disease. Therefore, it has been classified as a Variant of Uncertain Significance. Algorithms developed to predict the effect of missense changes on protein structure and function are either unavailable or do not agree on the potential impact of this missense change (SIFT: "Deleterious"; PolyPhen-2: "Benign"; Align-GVGD: "Class C0"). This variant has not been reported in the literature in individuals affected with BMPER-related conditions. This variant is present in population databases (rs763448943, gnomAD 0.01%). This sequence change replaces arginine, which is basic and polar, with histidine, which is basic and polar, at codon 332 of the BMPER protein (p.Arg332His).